The following is an entry in ClinVar:

ClinVar aggregate classification (germline): Uncertain significance (1 of 4 stars; one submission).

Submission:

Women's Health and Genetics/Laboratory Corporation of America, LabCorp
Classification: Uncertain significance. Last evaluated: 2025-12-23. Review status: criteria provided, single submitter. Criteria: LabCorp Variant Classification Summary - May 2015. Collection method: clinical testing. Allele origin: germline.
Comment: Variant summary: PLOD1 c.866T>A (p.Leu289Gln) results in a non-conservative amino acid change in the encoded protein sequence. Algorithms developed to predict the effect of missense changes on protein structure and function are either unavailable or do not agree on the potential impact of this missense change. The variant was absent in 250416 control chromosomes (gnomAD). The available data on variant occurrences in the general population are insufficient to allow any conclusion about variant significance. To our knowledge, no occurrence of c.866T>A in individuals affected with PLOD1-related conditions and no experimental evidence demonstrating its impact on protein function have been reported. No submitters have cited clinical-significance assessments for this variant to ClinVar. Based on the evidence outlined above, the variant was classified as uncertain significance.

NM_000302.4(PLOD1):c.866T>A (p.Leu289Gln)

Gene: PLOD1 (procollagen-lysine,2-oxoglutarate 5-dioxygenase 1; plus strand). Cytogenetic location: 1p36.22.
Variant type: single nucleotide variant.
Coding change: c.866T>A on transcript NM_000302.4 (MANE Select); coding-DNA position 866, T replaced by A.
Protein change: p.Leu289Gln; replaces leucine 289 with glutamine.
Molecular consequence: missense variant.
Genome position (GRCh38, 1-based): chr1:11,958,538, T>A. VCF-style: chr1-11958538-T-A. GRCh37 (hg19) VCF-style: chr1-12018595-T-A.
Other names: c.1007T>A, p.Leu336Gln (NM_001316320.2); short protein forms L289Q, L336Q.
Identifiers: ClinVar variation 4688887 (VCV004688887.1).